The following is an entry in ClinVar:

ClinVar aggregate classification (germline): Uncertain significance. Review status: criteria provided, multiple submitters, no conflicts (2 of 4 stars). 3 submissions from 3 submitters: Uncertain significance (3). Last evaluated 2024-02-22.

Conditions:
Pierson syndrome. Also called: MICROCORIA-CONGENITAL NEPHROTIC SYNDROME. Identifiers: Orphanet 2670, MedGen C1836876, MONDO:0012184, OMIM 609049.
LAMB2-related infantile-onset nephrotic syndrome. Also called: Nephrotic Syndrome, type 5; NEPHROTIC SYNDROME, TYPE 5, WITHOUT OCULAR ABNORMALITIES; NEPHROTIC SYNDROME, TYPE 5, WITH OCULAR ABNORMALITIES. Identifiers: Orphanet 306507, MedGen C3280113, MONDO:0013621, OMIM 614199.
Inborn genetic diseases. Identifiers: MedGen C0950123, MeSH D030342.

Allele frequency attached by ClinVar (database versions not stated): gnomAD 0.00001 and 0.00002; gnomAD exomes 0.00001; ExAC 0.00002; TOPMed 0.00003.
gnomAD v4.1: 55 of 1,614,104 alleles (0.0034%); highest among the groups gnomAD compares: Non-Finnish European, 0.0045%; no homozygotes.

Submissions (3):

Ambry Genetics
Classification: Uncertain significance for Inborn genetic diseases. Last evaluated: 2024-02-22. Review status: criteria provided, single submitter. Criteria: Ambry Variant Classification Scheme 2023. Collection method: clinical testing. Allele origin: germline.

Labcorp Genetics (formerly Invitae), Labcorp
Classification: Uncertain significance for LAMB2-related infantile-onset nephrotic syndrome; Pierson syndrome. Last evaluated: 2022-04-28. Review status: criteria provided, single submitter. Criteria: Invitae Variant Classification Sherloc (09022015). Collection method: clinical testing. Allele origin: germline.
Comment: This variant has not been reported in the literature in individuals affected with LAMB2-related conditions. This sequence change replaces histidine, which is basic and polar, with glutamine, which is neutral and polar, at codon 1012 of the LAMB2 protein (p.His1012Gln). This variant is present in population databases (rs777538430, gnomAD 0.003%). ClinVar contains an entry for this variant (Variation ID: 649098). Algorithms developed to predict the effect of missense changes on protein structure and function are either unavailable or do not agree on the potential impact of this missense change (SIFT: "Deleterious"; PolyPhen-2: "Possibly Damaging"; Align-GVGD: "Class C0"). In summary, the available evidence is currently insufficient to determine the role of this variant in disease. Therefore, it has been classified as a Variant of Uncertain Significance.

Fulgent Genetics
Classification: Uncertain significance for Pierson syndrome; LAMB2-related infantile-onset nephrotic syndrome. Last evaluated: 2021-11-02. Review status: criteria provided, single submitter. Criteria: ACMG Guidelines, 2015. Collection method: clinical testing. Allele origin: unknown.

NM_002292.4(LAMB2):c.3036C>A (p.His1012Gln)

Gene: LAMB2 (laminin subunit beta 2; minus strand). Cytogenetic location: 3p21.31.
Variant type: single nucleotide variant.
Coding change: c.3036C>A on transcript NM_002292.4 (MANE Select); coding-DNA position 3036, C replaced by A.
Protein change: p.His1012Gln; replaces histidine 1012 with glutamine.
Molecular consequence: missense variant.
Genome position (GRCh38, 1-based): chr3:49,124,774, G>T on the plus strand (C>A on the coding strand, the complement: LAMB2 is on the minus strand). VCF-style: chr3-49124774-G-T. GRCh37 (hg19) VCF-style: chr3-49162207-G-T.
Other names: short protein forms H1012Q.
Identifiers: ClinVar variation 649098 (VCV000649098.8), dbSNP rs777538430, ClinGen allele CA2394136.